The following is an entry in ClinVar:

ClinVar aggregate classification (germline): Uncertain significance (1 of 4 stars; one submission).

Conditions:
Duchenne muscular dystrophy (DMD). Also called: MUSCULAR DYSTROPHY, PSEUDOHYPERTROPHIC PROGRESSIVE, DUCHENNE TYPE; Duchenne Muscular Dystrophy (DMD). Identifiers: Orphanet 98896, MedGen C0013264, MONDO:0010679, OMIM 310200.

Submission:

Labcorp Genetics (formerly Invitae), Labcorp
Classification: Uncertain significance for Duchenne muscular dystrophy. Last evaluated: 2022-10-09. Review status: criteria provided, single submitter. Criteria: Invitae Variant Classification Sherloc (09022015). Collection method: clinical testing. Allele origin: germline.
Comment: This sequence change replaces threonine, which is neutral and polar, with valine, which is neutral and non-polar, at codon 2161 of the DMD protein (p.Thr2161Val). Information on the frequency of this variant in the gnomAD database is not available, as this variant may be reported differently in the database. This variant has not been reported in the literature in individuals affected with DMD-related conditions. Algorithms developed to predict the effect of missense changes on protein structure and function are either unavailable or do not agree on the potential impact of this missense change (SIFT: "Not Available"; PolyPhen-2: "Benign"; Align-GVGD: "Not Available"). In summary, the available evidence is currently insufficient to determine the role of this variant in disease. Therefore, it has been classified as a Variant of Uncertain Significance.

NM_004006.3(DMD):c.6481_6482inv (p.Thr2161Val)

Gene: DMD (dystrophin; minus strand). Cytogenetic location: Xp21.1.
Variant type: Inversion.
Coding change: c.6481_6482inv on transcript NM_004006.3 (MANE Select).
Protein change: p.Thr2161Val; replaces threonine 2161 with valine.
Molecular consequence: missense variant. On other transcripts: 5 prime UTR variant (5).
Genome position: GRCh38 VCF-style: chrX-31968471-GT-AC. GRCh37 (hg19) VCF-style: chrX-31986588-GT-AC.
Other names: c.6457_6458inv, p.Thr2153Val (NM_000109.4); c.6469_6470inv, p.Thr2157Val (NM_004009.3); c.6112_6113inv, p.Thr2038Val (NM_004010.3); c.2458_2459inv, p.Thr820Val (NM_004011.4); c.2449_2450inv, p.Thr817Val (NM_004012.4); c.-900_-899inv (NM_004013.3, NM_004020.4, NM_004021.3 and 2 more transcripts); short protein forms T2038V, T2153V, T817V, T2161V, T2157V, T820V.
Identifiers: ClinVar variation 2183366 (VCV002183366.1), ClinGen allele CA2580100654.
Genomic context (GRCh38, chrX:31,968,471, plus strand): 5'-AGAATACTGGCATCTGTTTTTGAGGATTGCTGAATTATTTCTTCCCCAGTTGCATTCAAT[GT>AC]TCTGACAACAGTTTGCCGCTGCCCAATGCCATCCTGGAGTTCCTGTAAGATACCAAAAAG-3'
Protein context (NP_003997.2, residues 2151-2171): GIGQRQTVVR[Thr2161Val]LNATGEEIIQ